The following is an entry in ClinVar:

NM_001349338.3(FOXP1):c.175C>G (p.Gln59Glu)

Gene: FOXP1 (forkhead box P1; minus strand). Cytogenetic location: 3p13.
Variant type: single nucleotide variant.
Coding change: c.175C>G on transcript NM_001349338.3 (MANE Select); coding-DNA position 175, C replaced by G.
Protein change: p.Gln59Glu; replaces glutamine 59 with glutamic acid.
Molecular consequence: missense variant. On other transcripts: non-coding transcript variant (2).
Genome position (GRCh38, 1-based): chr3:71,198,207, G>C on the plus strand (C>G on the coding strand, the complement: FOXP1 is on the minus strand). VCF-style: chr3-71198207-G-C. GRCh37 (hg19) VCF-style: chr3-71247358-G-C.
Other names: c.175C>G, p.Gln59Glu (NM_001012505.2, NM_001244808.3, NM_001244810.2 and 7 more transcripts); short protein forms Q59E.
Identifiers: ClinVar variation 2717239 (VCV002717239.3), dbSNP rs1007162083, ClinGen allele CA77135941.

ClinVar aggregate classification (germline): Uncertain significance (1 of 4 stars; one submission).

Allele frequency attached by ClinVar (database versions not stated): gnomAD exomes below 0.00001; gnomAD 0.00001; TOPMed 0.00001.
gnomAD v4.1: 4 of 1,612,030 alleles (0.00025%); highest among the groups gnomAD compares: African/African-American, 0.0053%; no homozygotes.

Submission:

Labcorp Genetics (formerly Invitae), Labcorp
Classification: Uncertain significance. Last evaluated: 2023-03-24. Review status: criteria provided, single submitter. Criteria: Invitae Variant Classification Sherloc (09022015). Collection method: clinical testing. Allele origin: germline.
Comment: In summary, the available evidence is currently insufficient to determine the role of this variant in disease. Therefore, it has been classified as a Variant of Uncertain Significance. Advanced modeling of protein sequence and biophysical properties (such as structural, functional, and spatial information, amino acid conservation, physicochemical variation, residue mobility, and thermodynamic stability) performed at Invitae indicates that this missense variant is not expected to disrupt FOXP1 protein function. This variant has not been reported in the literature in individuals affected with FOXP1-related conditions. This variant is present in population databases (no rsID available, gnomAD 0.007%). This sequence change replaces glutamine, which is neutral and polar, with glutamic acid, which is acidic and polar, at codon 59 of the FOXP1 protein (p.Gln59Glu).